The following is an entry in ClinVar:

ClinVar aggregate classification (germline): Uncertain significance. Review status: criteria provided, multiple submitters, no conflicts (2 of 4 stars). 2 submissions from 2 submitters: Uncertain significance (2). Last evaluated 2025-10-29.

Allele frequency attached by ClinVar (database versions not stated): ExAC 0.00001; 1000 Genomes Project 30x 0.00016; gnomAD exomes below 0.00001; 1000 Genomes Project 0.00020.

Submissions (2):

Ambry Genetics
Classification: Uncertain significance. Last evaluated: 2025-10-29. Review status: criteria provided, single submitter. Criteria: Ambry Variant Classification Scheme 2023. Collection method: clinical testing. Allele origin: germline.

Labcorp Genetics (formerly Invitae), Labcorp
Classification: Uncertain significance. Last evaluated: 2025-06-12. Review status: criteria provided, single submitter. Criteria: Invitae Variant Classification Sherloc (09022015). Collection method: clinical testing. Allele origin: germline.
Comment: This sequence change replaces alanine, which is neutral and non-polar, with threonine, which is neutral and polar, at codon 377 of the SORL1 protein (p.Ala377Thr). This variant is present in population databases (rs191959382, gnomAD 0.007%). This variant has not been reported in the literature in individuals affected with SORL1-related conditions. ClinVar contains an entry for this variant (Variation ID: 2799866). An algorithm developed to predict the effect of missense changes on protein structure and function (PolyPhen-2) suggests that this variant is likely to be tolerated. In summary, the available evidence is currently insufficient to determine the role of this variant in disease. Therefore, it has been classified as a Variant of Uncertain Significance.

NM_003105.6(SORL1):c.1129G>A (p.Ala377Thr)

Gene: SORL1 (sortilin related receptor 1; plus strand). Cytogenetic location: 11q24.1.
Variant type: single nucleotide variant.
Coding change: c.1129G>A on transcript NM_003105.6 (MANE Select); coding-DNA position 1129, G replaced by A.
Protein change: p.Ala377Thr; replaces alanine 377 with threonine.
Molecular consequence: missense variant.
Genome position (GRCh38, 1-based): chr11:121,514,239, G>A. VCF-style: chr11-121514239-G-A. GRCh37 (hg19) VCF-style: chr11-121384948-G-A.
Other names: c.1129G>A (NM_003105.5); short protein forms A377T.
Identifiers: ClinVar variation 2799866 (VCV002799866.4), dbSNP rs191959382, ClinGen allele CA6328555.